The following is an entry in ClinVar:

ClinVar aggregate classification (germline): Benign (1 of 4 stars; one submission).

Allele frequency attached by ClinVar (database versions not stated): TOPMed below 0.00001; gnomAD exomes 0.00004; gnomAD 0.00005; 1000 Genomes Project 0.00020; 1000 Genomes Project 30x 0.00094.
gnomAD v4.1: 17 of 398,510 alleles (0.0043%); highest among the groups gnomAD compares: South Asian, 0.18%; no homozygotes.

Submission:

CeGaT Center for Human Genetics Tuebingen
Classification: Benign. Last evaluated: 2024-02-01. Review status: criteria provided, single submitter. Criteria: CeGaT Center For Human Genetics Tuebingen Variant Classification Criteria Version 2. Collection method: clinical testing. Allele origin: germline. Affected: yes. Observed: 2 variant alleles.
Comment: KCNQ1OT1: BS1, BS2

NM_000218.3(KCNQ1):c.1514+19470C>T

Genes: KCNQ1 (potassium voltage-gated channel subfamily Q member 1; plus strand), KCNQ1OT1 (KCNQ1 opposite strand/antisense transcript 1; minus strand). Cytogenetic location: 11p15.5.
Variant type: single nucleotide variant.
Coding change: c.1514+19470C>T on transcript NM_000218.3 (MANE Select); 19470 bases into the intron after coding-DNA position 1514, C replaced by T.
Molecular consequence: intron variant. On other transcripts: non-coding transcript variant (1).
Genome position (GRCh38, 1-based): chr11:2,681,551, C>T. VCF-style: chr11-2681551-C-T. GRCh37 (hg19) VCF-style: chr11-2702781-C-T.
Other names: c.1244+19470C>T (NM_001406837.1); c.1418+19470C>T (NM_001406836.1); c.974+19470C>T (NM_001406838.1); c.1133+19470C>T (NM_181798.2).
Identifiers: ClinVar variation 3027266 (VCV003027266.22), dbSNP rs571417652, ClinGen allele CA216185385.